The following is an entry in ClinVar:

ClinVar aggregate classification (germline): Uncertain significance. Review status: criteria provided, multiple submitters, no conflicts (2 of 4 stars). 2 submissions from 2 submitters: Uncertain significance (2). Last evaluated 2025-05-24.

Conditions:
Primary dilated cardiomyopathy (DCM). Also called: Dilated Cardiomyopathy. Identifiers: Orphanet 217604, MedGen C0007193, MeSH D002311, MONDO:0005021, HP:0001644. Inheritance: Various modes of inheritance.

Allele frequency attached by ClinVar (database versions not stated): gnomAD exomes 0.00001; ExAC 0.00002; gnomAD 0.00002; TOPMed 0.00002; ESP Exome Variant Server 0.00008.
gnomAD v4.1: 10 of 1,610,168 alleles (0.00062%); highest among the groups gnomAD compares: Non-Finnish European, 0.00085%; no homozygotes.

Submissions (2):

Ambry Genetics
Classification: Uncertain significance. Last evaluated: 2025-05-24. Review status: criteria provided, single submitter. Criteria: Ambry Variant Classification Scheme 2023. Collection method: clinical testing. Allele origin: germline.
Comment: The p.M770I variant (also known as c.2310G>A), located in coding exon 23 of the NEBL gene, results from a G to A substitution at nucleotide position 2310. The methionine at codon 770 is replaced by isoleucine, an amino acid with highly similar properties. This amino acid position is conserved. In addition, this alteration is predicted to be tolerated by in silico analysis. Since supporting evidence is limited at this time, the clinical significance of this alteration remains unclear.

Labcorp Genetics (formerly Invitae), Labcorp
Classification: Uncertain significance for Primary dilated cardiomyopathy. Last evaluated: 2024-04-22. Review status: criteria provided, single submitter. Criteria: Invitae Variant Classification Sherloc (09022015). Collection method: clinical testing. Allele origin: germline.
Comment: This sequence change replaces methionine, which is neutral and non-polar, with isoleucine, which is neutral and non-polar, at codon 770 of the NEBL protein (p.Met770Ile). This variant is present in population databases (rs200334335, gnomAD 0.003%). This variant has not been reported in the literature in individuals affected with NEBL-related conditions. ClinVar contains an entry for this variant (Variation ID: 1014192). An algorithm developed to predict the effect of missense changes on protein structure and function (PolyPhen-2) suggests that this variant is likely to be tolerated. In summary, the available evidence is currently insufficient to determine the role of this variant in disease. Therefore, it has been classified as a Variant of Uncertain Significance.

NM_006393.3(NEBL):c.2310G>A (p.Met770Ile)

Gene: NEBL (nebulette; minus strand). Cytogenetic location: 10p12.31.
Variant type: single nucleotide variant.
Coding change: c.2310G>A on transcript NM_006393.3 (MANE Select); coding-DNA position 2310, G replaced by A.
Protein change: p.Met770Ile; replaces methionine 770 with isoleucine.
Molecular consequence: missense variant. On other transcripts: intron variant (9).
Genome position (GRCh38, 1-based): chr10:20,813,975, C>T on the plus strand (G>A on the coding strand, the complement: NEBL is on the minus strand). VCF-style: chr10-20813975-C-T. GRCh37 (hg19) VCF-style: chr10-21102904-C-T.
Other names: c.250-1035G>A (NM_001377326.1, NM_001377327.1, NM_001377328.1); c.358-1035G>A (NM_213569.2, NM_001173484.2, NM_001377322.1); c.301-1035G>A (NM_001377324.1); c.292-1035G>A (NM_001377325.1); c.310-1035G>A (NM_001377323.1); short protein forms M770I.
Identifiers: ClinVar variation 1014192 (VCV001014192.12), dbSNP rs200334335, ClinGen allele CA5432529.